The following is an entry in ClinVar:

NM_000498.3(CYP11B2):c.182A>T (p.Tyr61Phe)

Genes: CYP11B2 (cytochrome P450 family 11 subfamily B member 2; minus strand), LOC106799834 (CYP11B2 recombination region; plus strand). Cytogenetic location: 8q24.3.
Variant type: single nucleotide variant.
Coding change: c.182A>T on transcript NM_000498.3 (MANE Select); coding-DNA position 182, A replaced by T.
Protein change: p.Tyr61Phe; replaces tyrosine 61 with phenylalanine.
Molecular consequence: missense variant.
Genome position (GRCh38, 1-based): chr8:142,917,659, T>A on the plus strand (A>T on the coding strand, the complement: CYP11B2 is on the minus strand). VCF-style: chr8-142917659-T-A. GRCh37 (hg19) VCF-style: chr8-143999075-T-A.
Other names: short protein forms Y61F.
Identifiers: ClinVar variation 740763 (VCV000740763.14), dbSNP rs147109119, ClinGen allele CA4906351.

ClinVar aggregate classification (germline): Conflicting classifications of pathogenicity. Review status: criteria provided, conflicting classifications (1 of 4 stars). 4 submissions from 4 submitters: Uncertain significance (1); Likely benign (2). 1 of the submissions does not count toward it. Last evaluated 2026-01-28.

Conditions:
Corticosterone methyl oxidase type II deficiency.

Allele frequency attached by ClinVar (database versions not stated): gnomAD exomes 0.00012 and 0.00035; ExAC 0.00045; 1000 Genomes Project 0.00140; gnomAD 0.00143 and 0.00160; ESP Exome Variant Server 0.00154; TOPMed 0.00183; 1000 Genomes Project 30x 0.00187.
gnomAD v4.1: 389 of 1,614,218 alleles (0.024%); highest among the groups gnomAD compares: African/African-American, 0.48%; no homozygotes.

Submissions (4):

Labcorp Genetics (formerly Invitae), Labcorp
Classification: Likely benign. Last evaluated: 2026-01-28. Review status: criteria provided, single submitter. Criteria: Invitae Variant Classification Sherloc (09022015). Collection method: clinical testing. Allele origin: germline.

Women's Health and Genetics/Laboratory Corporation of America, LabCorp
Classification: Likely benign. Last evaluated: 2024-11-27. Review status: criteria provided, single submitter. Criteria: LabCorp Variant Classification Summary - May 2015. Collection method: clinical testing. Allele origin: germline.
Comment: Variant summary: CYP11B2 c.182A>T (p.Tyr61Phe) results in a conservative amino acid change in the encoded protein sequence. Five of five in-silico tools predict a benign effect of the variant on protein function. The variant allele was found at a frequency of 0.00035 in 251388 control chromosomes, predominantly at a frequency of 0.0049 within the African or African-American subpopulation in the gnomAD database. The observed variant frequency within African or African-American control individuals in the gnomAD database is approximately 4.4 fold of the estimated maximal expected allele frequency for a pathogenic variant in CYP11B2 causing Familial Hypoaldosteronism phenotype (0.0011). To our knowledge, no occurrence of c.182A>T in individuals affected with Familial Hypoaldosteronism and no experimental evidence demonstrating its impact on protein function have been reported. ClinVar contains an entry for this variant (Variation ID: 740763). Based on the evidence outlined above, the variant was classified as likely benign.

GeneDx
Classification: Uncertain significance. Last evaluated: 2024-11-01. Review status: criteria provided, single submitter. Criteria: GeneDx Variant Classification Process June 2021. Collection method: clinical testing. Allele origin: germline. Affected: yes.
Comment: In silico analysis indicates that this missense variant does not alter protein structure/function; Has not been previously published as pathogenic or benign to our knowledge

Natera, Inc.
Classification: Likely benign for Corticosterone methyl oxidase type II deficiency. Last evaluated: 2020-01-08. Review status: no assertion criteria provided. Collection method: clinical testing. Allele origin: germline. Not counted in ClinVar's aggregate classification.